The following is an entry in ClinVar:

NM_000059.4(BRCA2):c.2145A>G (p.Gly715=)

Gene: BRCA2 (BRCA2 DNA repair associated; plus strand). Cytogenetic location: 13q13.1.
Variant type: single nucleotide variant.
Coding change: c.2145A>G on transcript NM_000059.4 (MANE Select); coding-DNA position 2145, A replaced by G.
Protein change: p.Gly715=; no amino-acid change (glycine 715 retained).
Molecular consequence: synonymous variant.
Genome position (GRCh38, 1-based): chr13:32,336,500, A>G. VCF-style: chr13-32336500-A-G. GRCh37 (hg19) VCF-style: chr13-32910637-A-G.
Other names: p.G715G:GGA>GGG.
Identifiers: ClinVar variation 182284 (VCV000182284.39), dbSNP rs112566179, ClinGen allele CA014444.

ClinVar aggregate classification (germline): Benign. Review status: reviewed by expert panel (3 of 4 stars). 15 submissions from 15 submitters: Benign (1). 14 of the submissions do not count toward it. Last evaluated 2017-06-29.

Conditions:
Hereditary cancer-predisposing syndrome. Also called: Hereditary neoplastic syndrome; Tumor predisposition; Neoplastic Syndromes, Hereditary; Hereditary Cancer Syndrome. Identifiers: Orphanet 140162, MedGen C0027672, MeSH D009386, MONDO:0015356.
Hereditary breast ovarian cancer syndrome. Also called: Breast and ovarian cancer; Hereditary breast and/or ovarian cancer syndrome; BRCA1- and BRCA2-Associated Hereditary Breast and Ovarian Cancer; Hereditary breast and ovarian cancer; Hereditary breast and ovarian cancer syndrome; Hereditary breast and ovarian cancer syndrome (HBOC). Identifiers: Orphanet 145, MedGen C0677776, MeSH D061325, MONDO:0003582. Disease mechanism: loss of function.
Breast-ovarian cancer, familial, susceptibility to, 2 (BROVCA2). Also called: BRCA2 Hereditary Breast and Ovarian Cancer. Identifiers: Orphanet 145, MedGen C2675520, MONDO:0012933, OMIM 612555. Disease mechanism: loss of function.

Allele frequency attached by ClinVar (database versions not stated): gnomAD exomes 0.00004 and 0.00009; ExAC 0.00012; 1000 Genomes Project 0.00040; gnomAD 0.00050 and 0.00056; ESP Exome Variant Server 0.00054; TOPMed 0.00059; 1000 Genomes Project 30x 0.00062.

Submissions (15):

Evidence-based Network for the Interpretation of Germline Mutant Alleles (ENIGMA)
Classification: Benign for Breast-ovarian cancer, familial, susceptibility to, 2. Last evaluated: 2017-06-29. Review status: reviewed by expert panel. Criteria: ENIGMA BRCA1/2 Classification Criteria (2017-06-29). Collection method: curation. Allele origin: germline.
Comment: Synonymous substitution variant, with low bioinformatic likelihood to alter mRNA splicing (splicing prior 0.02) and frequency 0.0014 (African), derived from ExAC (2014-12-17).

CeGaT Center for Human Genetics Tuebingen
Classification: Likely benign. Last evaluated: 2026-09-01. Review status: criteria provided, single submitter. Criteria: CeGaT Center For Human Genetics Tuebingen Variant Classification Criteria Version 2. Collection method: clinical testing. Allele origin: germline. Affected: yes. Observed: 3 variant alleles. Not counted in ClinVar's aggregate classification.
Comment: BRCA2: BP4, BP7

Labcorp Genetics (formerly Invitae), Labcorp
Classification: Benign for Hereditary breast ovarian cancer syndrome. Last evaluated: 2026-01-30. Review status: criteria provided, single submitter. Criteria: Invitae Variant Classification Sherloc (09022015). Collection method: clinical testing. Allele origin: germline. Not counted in ClinVar's aggregate classification.

ARUP Laboratories, Molecular Genetics and Genomics, ARUP Laboratories
Classification: Benign. Last evaluated: 2025-02-18. Review status: criteria provided, single submitter. Criteria: ARUP Molecular Germline Variant Investigation Process 2024. Collection method: clinical testing. Allele origin: germline. Not counted in ClinVar's aggregate classification.

Blueprint Genetics
Classification: Likely benign. Last evaluated: 2024-11-27. Review status: criteria provided, single submitter. Criteria: ACMG Guidelines, 2015. Collection method: clinical testing. Allele origin: germline. Not counted in ClinVar's aggregate classification.

All of Us Research Program, National Institutes of Health
Classification: Benign for Breast-ovarian cancer, familial, susceptibility to, 2. Last evaluated: 2024-02-05. Review status: criteria provided, single submitter. Criteria: ACMG Guidelines, 2015. Collection method: clinical testing. Allele origin: germline. Inheritance: Autosomal dominant inheritance. Observed: 28 variant alleles, 28 heterozygotes. Not counted in ClinVar's aggregate classification.
Comment: This study involves interpretation of variants in research participants for the purpose of population health screening. Participant phenotype was not available at the time of variant classification. Additional details can be found in publication PMID: 35346344, PMCID: PMC8962531

Institute for Biomarker Research, Medical Diagnostic Laboratories, L.L.C.
Classification: Benign for Hereditary breast ovarian cancer syndrome. Last evaluated: 2023-08-22. Review status: criteria provided, single submitter. Criteria: ACMG Guidelines, 2015. Collection method: clinical testing. Allele origin: germline. Not counted in ClinVar's aggregate classification.

Quest Diagnostics Nichols Institute San Juan Capistrano
Classification: Benign. Last evaluated: 2022-07-30. Review status: criteria provided, single submitter. Criteria: Quest Diagnostics criteria. Collection method: clinical testing. Allele origin: unknown. Not counted in ClinVar's aggregate classification.

Sema4
Classification: Likely benign for Hereditary cancer-predisposing syndrome. Last evaluated: 2021-06-30. Review status: criteria provided, single submitter. Criteria: Sema4 Curation Guidelines. Collection method: curation. Allele origin: germline. Not counted in ClinVar's aggregate classification.

Genetic Services Laboratory, University of Chicago
Classification: Benign. Last evaluated: 2021-04-29. Review status: criteria provided, single submitter. Criteria: ACMG Guidelines, 2015. Collection method: clinical testing. Allele origin: germline. Affected: no. Not counted in ClinVar's aggregate classification.

Eurofins Ntd Llc (ga)
Classification: Likely benign. Last evaluated: 2018-05-29. Review status: criteria provided, single submitter. Criteria: EGL ClinVar v180209 classification definitions. Collection method: clinical testing. Allele origin: germline. Observed: 2 variant alleles, 2 heterozygotes. Not counted in ClinVar's aggregate classification.

Color Diagnostics, LLC DBA Color Health
Classification: Benign for Hereditary cancer-predisposing syndrome. Last evaluated: 2015-09-30. Review status: criteria provided, single submitter. Criteria: ACMG Guidelines, 2015. Collection method: clinical testing. Allele origin: germline. Not counted in ClinVar's aggregate classification.

Ambry Genetics
Classification: Likely benign for Hereditary cancer-predisposing syndrome. Last evaluated: 2014-07-10. Review status: criteria provided, single submitter. Criteria: Ambry Variant Classification Scheme 2023. Collection method: clinical testing. Allele origin: germline. Not counted in ClinVar's aggregate classification.

GeneDx
Classification: Benign. Last evaluated: 2014-06-22. Review status: criteria provided, single submitter. Criteria: GeneDx Variant Classification (06012015). Collection method: clinical testing. Allele origin: germline. Affected: yes. Not counted in ClinVar's aggregate classification.
Comment: This variant is considered likely benign or benign based on one or more of the following criteria: it is a conservative change, it occurs at a poorly conserved position in the protein, it is predicted to be benign by multiple in silico algorithms, and/or has population frequency not consistent with disease.

Department of Pathology and Laboratory Medicine, Sinai Health System
Classification: Likely benign for Breast-ovarian cancer, familial, susceptibility to, 2. Review status: no assertion criteria provided. Collection method: clinical testing. Allele origin: unknown. Affected: yes. Study: The Canadian Open Genetics Repository (COGR). Not counted in ClinVar's aggregate classification.
Comment: The BRCA2 p.Gly715= variant was identified in 1 of 820 proband chromosomes (frequency: 0.001) from individuals or families with breast cancer (Fackenthal 2012). The variant was also identified in dbSNP (ID: rs112566179) as "With other allele", ClinVar (classified as benign by Invitae, GeneDx, Color and ENIGMA; as likely benign by three submitters), LOVD 3.0 (3x), and in UMD-LSDB (4x as unclassified variant). The variant was identified in UMD-LSDB with a co-occurring pathogenic BRCA2 variant (c.6159delT, p.Ala2054Leufs*16), increasing the likelihood that the p.Gly715= variant does not have clinical significance. The variant was identified in control databases in 43 of 277062 chromosomes at a frequency of 0.0002 (Genome Aggregation Database Feb 27, 2017). The variant was observed in the following populations: African in 42 of 24028 chromosomes (freq: 0.002) and Latino in 1 of 34366 chromosomes (freq: 0.00003), while the variant was not observed in the Other, European, Ashkenazi Jewish, East Asian, Finnish, or South Asian populations. The p.Gly715= variant is not expected to have clinical significance because it does not result in a change of amino acid and is not located in a known consensus splice site. In addition, in silico or computational prediction software programs (SpliceSiteFinder, MaxEntScan, NNSPLICE, GeneSplicer) do not predict a difference in splicing. In summary, based on the above information, the clinical significance of this variant cannot be determined with certainty at this time although we would lean towards a more benign role for this variant. This variant is classified as likely benign.

Literature cited by the submitters: PubMed 22034289 (cited by Quest Diagnostics Nichols Institute San Juan Capistrano).